The following is an entry in ClinVar:

NM_016938.5(EFEMP2):c.499G>T (p.Glu167Ter)

Gene: EFEMP2 (EGF-like fibulin extracellular matrix protein 2; minus strand). Cytogenetic location: 11q13.1.
Variant type: single nucleotide variant.
Coding change: c.499G>T on transcript NM_016938.5 (MANE Select); coding-DNA position 499, G replaced by T.
Protein change: p.Glu167Ter; replaces glutamic acid 167 with a stop codon.
Molecular consequence: nonsense. On other transcripts: non-coding transcript variant (1).
Genome position (GRCh38, 1-based): chr11:65,870,229, C>A on the plus strand (G>T on the coding strand, the complement: EFEMP2 is on the minus strand). VCF-style: chr11-65870229-C-A. GRCh37 (hg19) VCF-style: chr11-65637700-C-A.
Other names: short protein forms E167*.
Identifiers: ClinVar variation 948115 (VCV000948115.7), dbSNP rs763944898, ClinGen allele CA6110630.
Genomic context (GRCh38, chr11:65,870,229, plus strand): 5'-GGCAGCGGAAGGAGCCAGGCAGGTTCACGCAGCGGTGCTGGCAGTAGCGGTAGCGGCACT[C>A]GTCTATGTCTAGGGATAGAGGCAGGAGAAGGAGGGCGGAGGGCAGAGGGCAGAGGGCAGG-3'

ClinVar aggregate classification (germline): Pathogenic/Likely pathogenic. Review status: criteria provided, multiple submitters, no conflicts (2 of 4 stars). 3 submissions from 3 submitters: Pathogenic (2); Likely pathogenic (1). Last evaluated 2024-11-06.

Conditions:
Cardiovascular phenotype. Identifiers: MedGen CN230736.
EFEMP2-related disorder. Also called: EFEMP2-related condition.
Cutis laxa, autosomal recessive, type 1B (ARCL1B). Also called: CUTIS LAXA, AUTOSOMAL RECESSIVE, TYPE IB; EFEMP2-Related Cutis Laxa. Identifiers: Orphanet 90349, MedGen C3280798, MONDO:0013754, OMIM 614437. Disease mechanism: loss of function.

Allele frequency attached by ClinVar (database versions not stated): TOPMed below 0.00001; gnomAD 0.00001.
gnomAD v4.1: 6 of 1,613,168 alleles (0.00037%); highest among the groups gnomAD compares: East Asian, 0.013%; no homozygotes.

Submissions (3):

PreventionGenetics, part of Exact Sciences
Classification: Likely pathogenic for EFEMP2-related condition. Last evaluated: 2024-11-06. Review status: criteria provided, single submitter. Criteria: ACMG Guidelines, 2015. Collection method: clinical testing. Allele origin: germline.
Comment: The EFEMP2 c.499G>T variant is predicted to result in premature protein termination (p.Glu167*). To our knowledge, this variant has not been reported in the literature. This variant is reported in 0.035% of alleles in individuals of East Asian descent in gnomAD. Nonsense variants in EFEMP2 are expected to be pathogenic. This variant is interpreted as likely pathogenic.

Labcorp Genetics (formerly Invitae), Labcorp
Classification: Pathogenic for Cutis laxa, autosomal recessive, type 1B. Last evaluated: 2022-12-14. Review status: criteria provided, single submitter. Criteria: Invitae Variant Classification Sherloc (09022015). Collection method: clinical testing. Allele origin: germline.
Comment: For these reasons, this variant has been classified as Pathogenic. ClinVar contains an entry for this variant (Variation ID: 948115). This variant has not been reported in the literature in individuals affected with EFEMP2-related conditions. This variant is present in population databases (rs763944898, gnomAD 0.04%). This sequence change creates a premature translational stop signal (p.Glu167*) in the EFEMP2 gene. It is expected to result in an absent or disrupted protein product. Loss-of-function variants in EFEMP2 are known to be pathogenic (PMID: 17937443).

Ambry Genetics
Classification: Pathogenic for Cardiovascular phenotype. Last evaluated: 2021-03-23. Review status: criteria provided, single submitter. Criteria: Ambry Variant Classification Scheme 2023. Collection method: clinical testing. Allele origin: germline.
Comment: The p.E167* pathogenic mutation (also known as c.499G>T), located in coding exon 5 of the EFEMP2 gene, results from a G to T substitution at nucleotide position 499. This changes the amino acid from a glutamic acid to a stop codon within coding exon 5. This alteration is expected to result in loss of function by premature protein truncation or nonsense-mediated mRNA decay. As such, this alteration is interpreted as a disease-causing mutation.

Literature cited by the submitters: PubMed 17937443 (cited by Labcorp Genetics (formerly Invitae), Labcorp).